The following is an entry in ClinVar:

NM_024649.5(BBS1):c.793G>T (p.Ala265Ser)

Genes: BBS1 (Bardet-Biedl syndrome 1; plus strand), ZDHHC24 (zDHHC palmitoyltransferase 24; minus strand). Cytogenetic location: 11q13.2.
Variant type: single nucleotide variant.
Coding change: c.793G>T on transcript NM_024649.5 (MANE Select); coding-DNA position 793, G replaced by T.
Protein change: p.Ala265Ser; replaces alanine 265 with serine.
Molecular consequence: missense variant. On other transcripts: 3 prime UTR variant (1).
Genome position (GRCh38, 1-based): chr11:66,521,339, G>T. VCF-style: chr11-66521339-G-T. GRCh37 (hg19) VCF-style: chr11-66288810-G-T.
Other names: c.*149C>A (NM_001348571.2); short protein forms A265S.
Identifiers: ClinVar variation 3356611 (VCV003356611.2).
Genomic context (GRCh38, chr11:66,521,339, plus strand): 5'-CCCAGCGTCCCCGTCTTCCTAGAGGTTTCTGGCCAGTTTGATGTTGAGTTCCGGCTTGCC[G>T]CGGCCTGCCGCAATGGAAACATCTATATTCTGAGAAGGTAGCCACATCCGTGGTCTCCGG-3'
Protein context (NP_078925.3, residues 255-275): GQFDVEFRLA[Ala265Ser]ACRNGNIYIL

ClinVar aggregate classification (germline): Uncertain significance (1 of 4 stars; one submission).

Conditions:
BBS1-related disorder. Also called: BBS1-related condition.

gnomAD v4.1: 3 of 1,614,192 alleles (0.00019%); highest among the groups gnomAD compares: Admixed American, 0.0033%; no homozygotes.

Submission:

PreventionGenetics, part of Exact Sciences
Classification: Uncertain significance for BBS1-related condition. Last evaluated: 2026-08-06. Review status: criteria provided, single submitter. Criteria: ACMG Guidelines, 2015. Collection method: clinical testing. Allele origin: germline.
Comment: The BBS1 c.793G>T variant is predicted to result in the amino acid substitution p.Ala265Ser. To our knowledge, this variant has not been reported in the literature. This variant is reported in 0.0062% of alleles in individuals of African descent in gnomAD. At this time, the clinical significance of this variant is uncertain due to the absence of conclusive functional and genetic evidence.